The following is an entry in ClinVar:

ClinVar aggregate classification (germline): Uncertain significance (1 of 4 stars; one submission).

Allele frequency attached by ClinVar (database versions not stated): ExAC 0.00001; gnomAD exomes 0.00001; TOPMed 0.00001.
gnomAD v4.1: 10 of 1,613,272 alleles (0.00062%); highest among the groups gnomAD compares: Non-Finnish European, 0.00068%; no homozygotes.

Submission:

Ambry Genetics
Classification: Uncertain significance. Last evaluated: 2023-09-06. Review status: criteria provided, single submitter. Criteria: Ambry Variant Classification Scheme 2023. Collection method: clinical testing. Allele origin: germline.
Comment: The p.A431T variant (also known as c.1291G>A), located in coding exon 9 of the POLQ gene, results from a G to A substitution at nucleotide position 1291. The alanine at codon 431 is replaced by threonine, an amino acid with similar properties. This amino acid position is conserved. In addition, this alteration is predicted to be tolerated by in silico analysis. Since supporting evidence is limited at this time, the clinical significance of this alteration remains unclear.

NM_199420.4(POLQ):c.1291G>A (p.Ala431Thr)

Gene: POLQ (DNA polymerase theta; minus strand). Cytogenetic location: 3q13.33.
Variant type: single nucleotide variant.
Coding change: c.1291G>A on transcript NM_199420.4 (MANE Select); coding-DNA position 1291, G replaced by A.
Protein change: p.Ala431Thr; replaces alanine 431 with threonine.
Molecular consequence: missense variant.
Genome position (GRCh38, 1-based): chr3:121,520,048, C>T on the plus strand (G>A on the coding strand, the complement: POLQ is on the minus strand). VCF-style: chr3-121520048-C-T. GRCh37 (hg19) VCF-style: chr3-121238895-C-T.
Other names: short protein forms A431T.
Identifiers: ClinVar variation 1769112 (VCV001769112.3), dbSNP rs752122377, ClinGen allele CA2563574.